The following is an entry in ClinVar:

ClinVar aggregate classification (germline): Likely benign. Review status: criteria provided, multiple submitters, no conflicts (2 of 4 stars). 5 submissions from 5 submitters: Likely benign (5). Last evaluated 2024-08-30.

Conditions:
Cardiovascular phenotype. Identifiers: MedGen CN230736.
Cardiomyopathy (CMYO). Also called: Cardiomyopathies. Identifiers: Orphanet 167848, MedGen C0878544, MONDO:0004994, HP:0001638. Inheritance: Various modes of inheritance.
Arrhythmogenic right ventricular cardiomyopathy (ARVD). Also called: Arrhythmogenic right ventricular dysplasia; Arrhythmogenic cardiomyopathy; Arrhythmogenic Right Ventricular Cardiomyopathy (ARVC); Cardiomyopathy, ARVC. Identifiers: Orphanet 247, MedGen C0349788, MeSH D019571, MONDO:0016587. Disease mechanism: loss of function. Inheritance: Various modes of inheritance.
Arrhythmogenic right ventricular dysplasia 9 (ARVD9). Also called: ARRHYTHMOGENIC RIGHT VENTRICULAR DYSPLASIA, FAMILIAL, 9; Arrhythmogenic Right Ventricular Dysplasia/Cardiomyopathy 9. Identifiers: MedGen C1836906, MONDO:0012180, OMIM 609040.

Allele frequency attached by ClinVar (database versions not stated): ExAC 0.00002; gnomAD 0.00003.
gnomAD v4.1: 17 of 1,613,666 alleles (0.0011%); highest among the groups gnomAD compares: Non-Finnish European, 0.0012%; no homozygotes.

Submissions (5):

All of Us Research Program, National Institutes of Health
Classification: Likely benign for Arrhythmogenic right ventricular cardiomyopathy. Last evaluated: 2024-08-30. Review status: criteria provided, single submitter. Criteria: ACMG Guidelines, 2015. Collection method: clinical testing. Allele origin: germline. Inheritance: Autosomal dominant inheritance. Observed: 1 variant allele, 1 heterozygote.
Comment: This study involves interpretation of variants in research participants for the purpose of population health screening. Participant phenotype was not available at the time of variant classification. Additional details can be found in publication PMID: 35346344, PMCID: PMC8962531

Labcorp Genetics (formerly Invitae), Labcorp
Classification: Likely benign for Arrhythmogenic right ventricular dysplasia 9. Last evaluated: 2022-02-10. Review status: criteria provided, single submitter. Criteria: Invitae Variant Classification Sherloc (09022015). Collection method: clinical testing. Allele origin: germline.

Ambry Genetics
Classification: Likely benign for Cardiovascular phenotype. Last evaluated: 2022-01-12. Review status: criteria provided, single submitter. Criteria: Ambry Variant Classification Scheme 2023. Collection method: clinical testing. Allele origin: germline.

Color Diagnostics, LLC DBA Color Health
Classification: Likely benign for Cardiomyopathy. Last evaluated: 2019-02-21. Review status: criteria provided, single submitter. Criteria: ACMG Guidelines, 2015. Collection method: clinical testing. Allele origin: germline.

Laboratory for Molecular Medicine, Mass General Brigham Personalized Medicine
Classification: Likely benign. Last evaluated: 2009-03-16. Review status: criteria provided, single submitter. Criteria: LMM Criteria. Collection method: clinical testing. Allele origin: germline. Observed: 1 variant allele.

NM_001005242.3(PKP2):c.1080C>T (p.Leu360=)

Gene: PKP2 (plakophilin 2; minus strand). Cytogenetic location: 12p11.21.
Variant type: single nucleotide variant.
Coding change: c.1080C>T on transcript NM_001005242.3 (MANE Select); coding-DNA position 1080, C replaced by T.
Protein change: p.Leu360=; no amino-acid change (leucine 360 retained).
Molecular consequence: synonymous variant.
Genome position (GRCh38, 1-based): chr12:32,869,017, G>A on the plus strand (C>T on the coding strand, the complement: PKP2 is on the minus strand). VCF-style: chr12-32869017-G-A. GRCh37 (hg19) VCF-style: chr12-33021951-G-A.
Other names: c.1080C>T, p.Leu360= (NM_004572.4).
Identifiers: ClinVar variation 45005 (VCV000045005.17), dbSNP rs397516984, ClinGen allele CA010748.